The following is an entry in ClinVar:

ClinVar aggregate classification (germline): Pathogenic (1 of 4 stars; one submission).

Allele frequency attached by ClinVar (database versions not stated): TOPMed 0.00001 and 0.00002.

Submission:

ARUP Laboratories, Molecular Genetics and Genomics, ARUP Laboratories
Classification: Pathogenic. Last evaluated: 2018-07-10. Review status: criteria provided, single submitter. Criteria: ARUP Molecular Germline Variant Investigation Process. Collection method: clinical testing. Allele origin: germline.
Comment: The F9 c.422G>A; p.Cys141Tyr variant, also known as p.Cys95Tyr, has been described in several individuals with severe hemophilia B (see link to F9 database and references therein). It is absent from general population databases (1000 Genomes Project, Exome Variant Server, and Genome Aggregation Database), indicating it is not a common polymorphism. The cysteine at codon 141 is highly conserved, and computational algorithms (PolyPhen-2, SIFT) predict that this variant is deleterious. Additionally, several other variants at this codon (p.Cys141Arg, p.Cys141Phe, p.Cys141Ser, p.Cys141Trp) have been reported in association with severe hemophilia B and are considered pathogenic (see link to F9 database and references therein). Based on available information, the p.Cys141Tyr variant is considered pathogenic. References: Link to F9 database

NM_000133.4(F9):c.422G>A (p.Cys141Tyr)

Gene: F9 (coagulation factor IX; plus strand). Cytogenetic location: Xq27.1.
Variant type: single nucleotide variant.
Coding change: c.422G>A on transcript NM_000133.4 (MANE Select); coding-DNA position 422, G replaced by A.
Protein change: p.Cys141Tyr; replaces cysteine 141 with tyrosine.
Molecular consequence: missense variant.
Genome position (GRCh38, 1-based): chrX:139,548,393, G>A. VCF-style: chrX-139548393-G-A. GRCh37 (hg19) VCF-style: chrX-138630552-G-A.
Other names: c.308G>A, p.Cys103Tyr (NM_001313913.2); short protein forms C103Y, C141Y.
Identifiers: ClinVar variation 811510 (VCV000811510.8), dbSNP rs1351675410, ClinGen allele CA414438897.